The following is an entry in ClinVar:

ClinVar aggregate classification (germline): Uncertain significance (1 of 4 stars; one submission).

Conditions:
Long QT syndrome (LQTS). Identifiers: MedGen C0023976, MeSH D008133, MONDO:0002442. Disease mechanism: loss of function. Inheritance: Various modes of inheritance.

Allele frequency attached by ClinVar (database versions not stated): gnomAD exomes below 0.00001 and 0.00001; gnomAD 0.00001; TOPMed 0.00001.

Submissions (2):

Labcorp Genetics (formerly Invitae), Labcorp
Classification: Uncertain significance for Long QT syndrome. Last evaluated: 2021-04-29. Review status: criteria provided, single submitter. Criteria: Invitae Variant Classification Sherloc (09022015). Collection method: clinical testing. Allele origin: germline.
Comment: In summary, the available evidence is currently insufficient to determine the role of this variant in disease. Therefore, it has been classified as a Variant of Uncertain Significance. Algorithms developed to predict the effect of missense changes on protein structure and function are either unavailable or do not agree on the potential impact of this missense change (SIFT: "Deleterious"; PolyPhen-2: "Possibly Damaging"; Align-GVGD: "Class C0"). This variant has not been reported in the literature in individuals with KCNE1-related conditions. This variant is not present in population databases (ExAC no frequency). This sequence change replaces histidine with arginine at codon 73 of the KCNE1 protein (p.His73Arg). The histidine residue is highly conserved and there is a small physicochemical difference between histidine and arginine.

Roden Lab, Vanderbilt University Medical Center
No classification provided (evidence only). Condition: Long QT syndrome 5. Review status: no classification provided. Collection method: in vitro. Allele origin: not applicable. Functional consequence: Effect on ion channel function. Not counted in ClinVar's aggregate classification.
ClinVar note: "not provided" was previously submitted as the classification for the variant. However, the classification appeared to be based only on an observation of functional data so it was converted to no classification on 2025-07-30.

NM_000219.6(KCNE1):c.218A>G (p.His73Arg)

Gene: KCNE1 (potassium voltage-gated channel subfamily E regulatory subunit 1; minus strand). Cytogenetic location: 21q22.12.
Variant type: single nucleotide variant.
Coding change: c.218A>G on transcript NM_000219.6 (MANE Select); coding-DNA position 218, A replaced by G.
Protein change: p.His73Arg; replaces histidine 73 with arginine.
Molecular consequence: missense variant.
Genome position (GRCh38, 1-based): chr21:34,449,417, T>C on the plus strand (A>G on the coding strand, the complement: KCNE1 is on the minus strand). VCF-style: chr21-34449417-T-C. GRCh37 (hg19) VCF-style: chr21-35821715-T-C.
Other names: c.218A>G, p.His73Arg (NM_001270404.3, NM_001270405.3, NM_001127668.4 and 4 more transcripts); short protein forms H73R.
Identifiers: ClinVar variation 1391885 (VCV001391885.10), dbSNP rs1276203367, ClinGen allele CA410198247.